The following is an entry in ClinVar:

NM_000157.4(GBA1):c.1187G>A (p.Trp396Ter)

Genes: GBA1 (glucosylceramidase beta 1; minus strand), LOC106627981 (GBA recombination region; plus strand). Cytogenetic location: 1q22.
Variant type: single nucleotide variant.
Coding change: c.1187G>A on transcript NM_000157.4 (MANE Select); coding-DNA position 1187, G replaced by A.
Protein change: p.Trp396Ter; replaces tryptophan 396 with a stop codon.
Molecular consequence: nonsense.
Genome position (GRCh38, 1-based): chr1:155,236,282, C>T on the plus strand (G>A on the coding strand, the complement: GBA1 is on the minus strand). VCF-style: chr1-155236282-C-T. GRCh37 (hg19) VCF-style: chr1-155206073-C-T.
Other names: c.1187G>A, p.Trp396Ter (NM_001005741.3, NM_001005742.3); c.926G>A, p.Trp309Ter (NM_001171811.2); c.1040G>A, p.Trp347Ter (NM_001171812.2); short protein forms W309*, W347*, W396*.
Identifiers: ClinVar variation 4817689 (VCV004817689.1).

ClinVar aggregate classification (germline): Likely pathogenic (1 of 4 stars; one submission).

Conditions:
Gaucher disease. Also called: Acute cerebral Gaucher disease; Cerebroside lipidosis syndrome; Gaucher splenomegaly; Sphingolipidosis 1; Glucocerebrosidosis; Glucosylceramidase deficiency. Identifiers: Orphanet 355, MedGen C0017205, MONDO:0018150.

gnomAD v4.1: 1 of 1,614,132 alleles (0.000062%); highest among the groups gnomAD compares: Non-Finnish European, 0.000085%; no homozygotes.

Submission:

Natera, Inc.
Classification: Likely pathogenic for Gaucher disease. Last evaluated: 2025-02-20. Review status: criteria provided, single submitter. Criteria: Natera Variant Classification Schema (03/2026). Collection method: clinical testing. Allele origin: germline.
Comment: The c.1187G>A variant in GBA1 is a nonsense variant predicted to introduce a stop codon at amino acid 396. This variant is expected to result in nonsense mediated decay, truncation, or a dysfunctional protein product. This variant is rare in the general population with a frequency below the threshold expected for the associated phenotype(s). Given the available evidence, this variant is classified as Likely Pathogenic.